The following is an entry in ClinVar:

ClinVar aggregate classification (germline): Uncertain significance (1 of 4 stars; one submission).

Conditions:
Neuronopathy, distal hereditary motor, autosomal recessive 5. Also called: Spinal muscular atrophy, distal, autosomal recessive, 5; Young adult-onset distal hereditary motor neuropathy; NEUROPATHY, DISTAL HEREDITARY MOTOR, AUTOSOMAL RECESSIVE 5. Identifiers: Orphanet 314485, Orphanet 443950, MedGen C4749918, MONDO:0013947, OMIM 614881.

Allele frequency attached by ClinVar (database versions not stated): ExAC 0.00001; TOPMed 0.00002; gnomAD exomes 0.00001.
gnomAD v4.1: 10 of 1,614,204 alleles (0.00062%); highest among the groups gnomAD compares: Admixed American, 0.0017%; no homozygotes.

Submission:

Labcorp Genetics (formerly Invitae), Labcorp
Classification: Uncertain significance for Neuronopathy, distal hereditary motor, autosomal recessive 5. Last evaluated: 2022-07-11. Review status: criteria provided, single submitter. Criteria: Invitae Variant Classification Sherloc (09022015). Collection method: clinical testing. Allele origin: germline.
Comment: This sequence change replaces arginine, which is basic and polar, with histidine, which is basic and polar, at codon 177 of the DNAJB2 protein (p.Arg177His). This variant is present in population databases (rs762985004, gnomAD 0.003%). This variant has not been reported in the literature in individuals affected with DNAJB2-related conditions. ClinVar contains an entry for this variant (Variation ID: 962024). Algorithms developed to predict the effect of missense changes on protein structure and function output the following: SIFT: "Tolerated"; PolyPhen-2: "Benign"; Align-GVGD: "Class C0". The histidine amino acid residue is found in multiple mammalian species, which suggests that this missense change does not adversely affect protein function. In summary, the available evidence is currently insufficient to determine the role of this variant in disease. Therefore, it has been classified as a Variant of Uncertain Significance.

NM_006736.6(DNAJB2):c.530G>A (p.Arg177His)

Gene: DNAJB2 (DnaJ heat shock protein family (Hsp40) member B2; plus strand). Cytogenetic location: 2q35.
Variant type: single nucleotide variant.
Coding change: c.530G>A on transcript NM_006736.6 (MANE Select); coding-DNA position 530, G replaced by A.
Protein change: p.Arg177His; replaces arginine 177 with histidine.
Molecular consequence: missense variant.
Genome position (GRCh38, 1-based): chr2:219,283,217, G>A. VCF-style: chr2-219283217-G-A. GRCh37 (hg19) VCF-style: chr2-220147939-G-A.
Other names: c.530G>A, p.Arg177His (NM_001039550.2); short protein forms R177H.
Identifiers: ClinVar variation 962024 (VCV000962024.5), dbSNP rs762985004, ClinGen allele CA2123019.